The following is an entry in ClinVar:

ClinVar aggregate classification (germline): Likely pathogenic (1 of 4 stars; one submission).

Conditions:
Pigmentary retinal dystrophy. Also called: Fundus albipunctatus. Identifiers: Orphanet 227796, Orphanet 52427, MedGen C0311338, MONDO:0007639, OMIM 136880, HP:0030642.

Submission:

3billion
Classification: Likely pathogenic for Pigmentary retinal dystrophy. Last evaluated: 2023-12-27. Review status: criteria provided, single submitter. Criteria: ACMG Guidelines, 2015. Collection method: clinical testing. Allele origin: germline. Affected: yes.
Comment: The variant is observed at an extremely low frequency in the gnomAD v2.1.1 dataset (total allele frequency: 0.005%). Predicted Consequence/Location: Inframe insertion located in a nonrepeat region: predicted to change the length of the protein and disrupt normal protein function. The variant has been reported to co-segregate with the disease in at least one similarly affected relative/individual in the same family or similarly affected unrelated family (PMID: 11053295). The variant has been reported at least twice as pathogenic with clinical assertions and evidence for the classification (PMID: 11053295, 36284460 /3billion dataset). Therefore, this variant is classified as Likely pathogenic according to the recommendation of ACMG/AMP guideline.

Literature cited by the submitters: PubMed 11053295.

NM_002905.5(RDH5):c.927_928insGAA (p.Val309_Leu310insGlu)

Genes: BLOC1S1-RDH5 (BLOC1S1-RDH5 readthrough; plus strand), CD63 (CD63 molecule; minus strand), RDH5 (retinol dehydrogenase 5; plus strand). Cytogenetic location: 12q13.2.
Variant type: Insertion.
Coding change: c.927_928insGAA on transcript NM_002905.5 (MANE Select); coding-DNA positions 927 to 928, GAA inserted.
Protein change: p.Val309_Leu310insGlu.
Molecular consequence: inframe insertion. On other transcripts: non-coding transcript variant (1), 3 prime UTR variant (2).
Genome position: GRCh38 VCF-style: chr12-55724515-C-CGAA. GRCh37 (hg19) VCF-style: chr12-56118299-C-CGAA.
Other names: c.927_928insGAA, p.Val309_Leu310insGlu (NM_001199771.3); c.*548_*549insTTC (NM_001413284.1); c.*563_*564insTTC (NM_001413285.1).
Identifiers: ClinVar variation 3775320 (VCV003775320.1).